The following is an entry in ClinVar:

ClinVar aggregate classification (germline): Conflicting classifications of pathogenicity. Review status: criteria provided, conflicting classifications (1 of 4 stars). 2 submissions from 2 submitters: Uncertain significance (1); Likely benign (1). Last evaluated 2026-01-12.

gnomAD v4.1: 40 of 1,550,136 alleles (0.0026%); highest among the groups gnomAD compares: African/African-American, 0.0041%; no homozygotes.

Submissions (2):

Women's Health and Genetics/Laboratory Corporation of America, LabCorp
Classification: Likely benign. Last evaluated: 2026-01-12. Review status: criteria provided, single submitter. Criteria: LabCorp Variant Classification Summary - May 2015. Collection method: clinical testing. Allele origin: germline.

CeGaT Center for Human Genetics Tuebingen
Classification: Uncertain significance. Last evaluated: 2024-07-01. Review status: criteria provided, single submitter. Criteria: CeGaT Center For Human Genetics Tuebingen Variant Classification Criteria Version 2. Collection method: clinical testing. Allele origin: germline. Affected: yes. Observed: 1 variant allele.
Comment: PIEZO1: PM2, PP3

NM_001142864.4(PIEZO1):c.1849-5G>A

Genes: HSALR1 (HSP90AB1 associated lncRNA 1; plus strand), PIEZO1 (piezo type mechanosensitive ion channel component 1 (Er blood group); minus strand). Cytogenetic location: 16q24.3.
Variant type: single nucleotide variant.
Coding change: c.1849-5G>A on transcript NM_001142864.4 (MANE Select); 5 bases into the intron before coding-DNA position 1849, G replaced by A.
Molecular consequence: intron variant.
Genome position (GRCh38, 1-based): chr16:88,734,803, C>T on the plus strand (G>A on the coding strand, the complement: PIEZO1 is on the minus strand). VCF-style: chr16-88734803-C-T. GRCh37 (hg19) VCF-style: chr16-88801211-C-T.
Identifiers: ClinVar variation 3257026 (VCV003257026.18).